The following is an entry in ClinVar:

ClinVar aggregate classification (germline): Conflicting classifications of pathogenicity. Review status: criteria provided, conflicting classifications (1 of 4 stars). 4 submissions from 4 submitters: Uncertain significance (2); Likely benign (1). 1 of the submissions does not count toward it. Last evaluated 2025-08-23.

Conditions:
Retinitis pigmentosa 71 (RP71). Identifiers: Orphanet 791, MedGen C4225342, MONDO:0014618, OMIM 616394.
Short-rib thoracic dysplasia 10 with or without polydactyly (SRTD10). Identifiers: Orphanet 474, MedGen C3810175, MONDO:0014284, OMIM 615630.
Bardet-Biedl syndrome 20. Identifiers: MedGen C4310707, MONDO:0023670, OMIM 619471, MONDO:0014926.
Inborn genetic diseases. Identifiers: MedGen C0950123, MeSH D030342.
IFT172-related disorder. Also called: IFT172-related condition; IFT172-related disorders.

Allele frequency attached by ClinVar (database versions not stated): gnomAD exomes 0.00004; ExAC 0.00005; gnomAD 0.00013 and 0.00014; ESP Exome Variant Server 0.00015; TOPMed 0.00018; 1000 Genomes Project 0.00020; 1000 Genomes Project 30x 0.00031.
gnomAD v4.1: 34 of 1,614,214 alleles (0.0021%); highest among the groups gnomAD compares: African/African-American, 0.043%; no homozygotes.

Submissions (4):

Labcorp Genetics (formerly Invitae), Labcorp
Classification: Likely benign for Retinitis pigmentosa 71; Short-rib thoracic dysplasia 10 with or without polydactyly. Last evaluated: 2025-08-23. Review status: criteria provided, single submitter. Criteria: Invitae Variant Classification Sherloc (09022015). Collection method: clinical testing. Allele origin: germline.

Ambry Genetics
Classification: Uncertain significance for Inborn genetic diseases. Last evaluated: 2024-04-06. Review status: criteria provided, single submitter. Criteria: Ambry Variant Classification Scheme 2023. Collection method: clinical testing. Allele origin: germline.

Fulgent Genetics
Classification: Uncertain significance for Short-rib thoracic dysplasia 10 with or without polydactyly; Retinitis pigmentosa 71; Bardet-Biedl syndrome 20. Last evaluated: 2024-02-28. Review status: criteria provided, single submitter. Criteria: ACMG Guidelines, 2015. Collection method: clinical testing. Allele origin: germline.

PreventionGenetics, part of Exact Sciences
Classification: Likely benign for IFT172-related condition. Last evaluated: 2020-03-06. Review status: no assertion criteria provided. Collection method: clinical testing. Allele origin: germline. Not counted in ClinVar's aggregate classification.
Comment: This variant is classified as likely benign based on ACMG/AMP sequence variant interpretation guidelines (Richards et al. 2015 PMID: 25741868, with internal and published modifications).

NM_015662.3(IFT172):c.4209G>C (p.Gln1403His)

Gene: IFT172 (intraflagellar transport 172; minus strand). Cytogenetic location: 2p23.3.
Variant type: single nucleotide variant.
Coding change: c.4209G>C on transcript NM_015662.3 (MANE Select); coding-DNA position 4209, G replaced by C.
Protein change: p.Gln1403His; replaces glutamine 1403 with histidine.
Molecular consequence: missense variant.
Genome position (GRCh38, 1-based): chr2:27,449,514, C>G on the plus strand (G>C on the coding strand, the complement: IFT172 is on the minus strand). VCF-style: chr2-27449514-C-G. GRCh37 (hg19) VCF-style: chr2-27672381-C-G.
Other names: c.4209G>C (NM_015662.1); short protein forms Q1403H.
Identifiers: ClinVar variation 641124 (VCV000641124.15), dbSNP rs149065251, ClinGen allele CA1579689.
Genomic context (GRCh38, chr2:27,449,514, plus strand): 5'-AGTCTCTCCCTGCATTCTGCCTCCTGCTAACTCTCCAAGTCTCACCGAGTCCACTTTGCC[C>G]TGATTCTTGAGGAACTCTTTATAATGCTGGTCCACATAGTCTTCATACCTGTGAAGATGT-3'
Protein context (NP_056477.1, residues 1393-1413): DQHYKEFLKN[Gln1403His]GKVDSLVGVD